The following is an entry in ClinVar:

NM_032043.3(BRIP1):c.2142G>A (p.Trp714Ter)

Gene: BRIP1 (BRCA1 interacting DNA helicase 1; minus strand). Cytogenetic location: 17q23.2.
Variant type: single nucleotide variant.
Coding change: c.2142G>A on transcript NM_032043.3 (MANE Select); coding-DNA position 2142, G replaced by A.
Protein change: p.Trp714Ter; replaces tryptophan 714 with a stop codon.
Molecular consequence: nonsense.
Genome position (GRCh38, 1-based): chr17:61,744,547, C>T on the plus strand (G>A on the coding strand, the complement: BRIP1 is on the minus strand). VCF-style: chr17-61744547-C-T. GRCh37 (hg19) VCF-style: chr17-59821908-C-T.
Other names: short protein forms W714*.
Identifiers: ClinVar variation 630653 (VCV000630653.5), dbSNP rs1567781516, ClinGen allele CA400483214.

ClinVar aggregate classification (germline): Pathogenic. Review status: criteria provided, multiple submitters, no conflicts (2 of 4 stars). 3 submissions from 3 submitters: Pathogenic (3). Last evaluated 2024-12-12.

Conditions:
Familial cancer of breast. Also called: BREAST CANCER, FAMILIAL; hereditary breast carcinoma; Hereditary breast cancer. Identifiers: Orphanet 227535, MedGen C0346153, MONDO:0016419, OMIM 114480. Disease mechanism: loss of function.
Fanconi anemia complementation group J. Also called: BRIP1-Related Fanconi Anemia. Identifiers: Orphanet 84, MedGen C1836860, MONDO:0012187, OMIM 609054.
Hereditary cancer-predisposing syndrome. Also called: Hereditary Cancer Syndrome; Neoplastic Syndromes, Hereditary; Tumor predisposition; Hereditary neoplastic syndrome. Identifiers: Orphanet 140162, MedGen C0027672, MeSH D009386, MONDO:0015356.

Submissions (3):

Labcorp Genetics (formerly Invitae), Labcorp
Classification: Pathogenic for Familial cancer of breast; Fanconi anemia complementation group J. Last evaluated: 2024-12-12. Review status: criteria provided, single submitter. Criteria: Invitae Variant Classification Sherloc (09022015). Collection method: clinical testing. Allele origin: germline.
Comment: This sequence change creates a premature translational stop signal (p.Trp714*) in the BRIP1 gene. It is expected to result in an absent or disrupted protein product. Loss-of-function variants in BRIP1 are known to be pathogenic (PMID: 16116423, 17033622, 21964575). This variant is not present in population databases (gnomAD no frequency). This variant has not been reported in the literature in individuals affected with BRIP1-related conditions. ClinVar contains an entry for this variant (Variation ID: 630653). For these reasons, this variant has been classified as Pathogenic.

Myriad Genetics, Inc.
Classification: Pathogenic for Familial cancer of breast. Last evaluated: 2024-02-13. Review status: criteria provided, single submitter. Criteria: Myriad Autosomal Dominant, Autosomal Recessive and X-Linked Classification Criteria (2023). Collection method: clinical testing. Allele origin: unknown.
Comment: This variant is considered pathogenic. This variant creates a termination codon and is predicted to result in premature protein truncation.

Color Diagnostics, LLC DBA Color Health
Classification: Pathogenic for Hereditary cancer-predisposing syndrome. Last evaluated: 2017-09-20. Review status: criteria provided, single submitter. Criteria: ACMG Guidelines, 2015. Collection method: clinical testing. Allele origin: germline.

Literature cited by the submitters: PubMed 16116423 (cited by Labcorp Genetics (formerly Invitae), Labcorp); PubMed 17033622 (cited by Labcorp Genetics (formerly Invitae), Labcorp); PubMed 21964575 (cited by Labcorp Genetics (formerly Invitae), Labcorp).